The following is an entry in ClinVar:

ClinVar aggregate classification (germline): Pathogenic (1 of 4 stars; one submission).

Conditions:
Congenital fibrosis of extraocular muscles type 1. Also called: FEOM1 LOCUS; CFEOM3B; BLEPHAROPTOSIS WITH ABSENT EYE MOVEMENTS; OPHTHALMOPLEGIA, CONGENITAL. Identifiers: MedGen C1851102, MONDO:0021083, OMIM 135700.

Submission:

MVZ Medizinische Genetik Mainz
Classification: Pathogenic for Congenital fibrosis of extraocular muscles type 1. Last evaluated: 2023-01-04. Review status: criteria provided, single submitter. Criteria: UK Practice Guidelines For Variant Classification V4 01 2020. Collection method: clinical testing. Allele origin: germline. Inheritance: Autosomal recessive inheritance. Affected: yes. Observed: 1 variant allele.
Comment: ACMG Criteria: PVS1, PM2_SUP, PM3_SUP (ACMG Version 4)

NM_001173464.2(KIF21A):c.2371del (p.Arg791fs)

Gene: KIF21A (kinesin family member 21A; minus strand). Cytogenetic location: 12q12.
Variant type: Deletion.
Coding change: c.2371del on transcript NM_001173464.2 (MANE Select); coding-DNA position 2371, one base deleted (A; older notation c.2371delA).
Protein change: p.Arg791fs; shifts the reading frame from arginine 791.
Molecular consequence: frameshift variant.
Genome position (GRCh38, 1-based): chr12:39,337,143, T deleted on the plus strand (A on the coding strand, the reverse complement: KIF21A is on the minus strand); the first of 2 consecutive T bases (chr12:39,337,143-39,337,144); deleting either gives the same sequence. VCF-style (leftmost placement, unchanged base first): chr12-39337142-CT-C. GRCh37 (hg19) VCF-style: chr12-39730944-CT-C.
Other names: c.2332del, p.Arg778fs (NM_001173463.2, NM_001173465.2, NM_001378441.1 and 1 more transcripts); c.2371del, p.Arg791fs (NM_001378439.1, NM_001378440.1); short protein forms R778fs, R791fs.
Identifiers: ClinVar variation 3234052 (VCV003234052.1), dbSNP rs2500405629, ClinGen allele CA2825002084.